The following is an entry in ClinVar:

ClinVar aggregate classification (germline): Likely pathogenic (1 of 4 stars; one submission).

Submission:

Labcorp Genetics (formerly Invitae), Labcorp
Classification: Likely pathogenic. Last evaluated: 2023-06-27. Review status: criteria provided, single submitter. Criteria: Invitae Variant Classification Sherloc (09022015). Collection method: clinical testing. Allele origin: germline.
Comment: This sequence change affects a splice site in intron 5 of the ABCA4 gene. It is expected to disrupt RNA splicing. Variants that disrupt the donor or acceptor splice site typically lead to a loss of protein function (PMID: 16199547), and loss-of-function variants in ABCA4 are known to be pathogenic (PMID: 10958761, 24938718, 25312043, 26780318). This variant is not present in population databases (gnomAD no frequency). Disruption of this splice site has been observed in individual(s) with Stargardt disease (PMID: 30060493). Algorithms developed to predict the effect of sequence changes on RNA splicing suggest that this variant may disrupt the consensus splice site. In summary, the currently available evidence indicates that the variant is pathogenic, but additional data are needed to prove that conclusively. Therefore, this variant has been classified as Likely Pathogenic.

Literature cited by the submitters: PubMed 16199547; PubMed 10958761; PubMed 24938718; PubMed 25312043; PubMed 26780318; PubMed 30060493.

NM_000350.3(ABCA4):c.570+1_570+8del

Gene: ABCA4 (ATP binding cassette subfamily A member 4; minus strand). Cytogenetic location: 1p22.1.
Variant type: Deletion.
Coding change: c.570+1_570+8del on transcript NM_000350.3 (MANE Select); the canonical splice donor site of the intron after coding-DNA position 570 through 8 bases into the intron after coding-DNA position 570, 8 bases deleted (GTAGGGGG; older notation c.570+1_570+8delGTAGGGGG).
Molecular consequence: splice donor variant.
Genome position (GRCh38, 1-based): chr1:94,103,007-94,103,014, CCCCCTAC deleted on the plus strand (GTAGGGGG on the coding strand, the reverse complement: ABCA4 is on the minus strand); deleting any 8 consecutive bases within chr1:94,103,007-94,103,015 gives the same sequence; the c. name uses the placement nearest the transcript's 3' end. VCF-style (leftmost placement, unchanged base first): chr1-94103006-TCCCCCTAC-T. GRCh37 (hg19) VCF-style: chr1-94568562-TCCCCCTAC-T.
Identifiers: ClinVar variation 2910122 (VCV002910122.3), dbSNP rs2523979805, ClinGen allele CA2586966967.